The following is an entry in ClinVar:

ClinVar aggregate classification (germline): Pathogenic (1 of 4 stars; one submission).

Submission:

Labcorp Genetics (formerly Invitae), Labcorp
Classification: Pathogenic. Last evaluated: 2023-09-10. Review status: criteria provided, single submitter. Criteria: Invitae Variant Classification Sherloc (09022015). Collection method: clinical testing. Allele origin: unknown.
Comment: For these reasons, this variant has been classified as Pathogenic. A similar copy number variant has been observed in individual(s) with Usher syndrome type 2 (PMID: 25558175). This variant is a gross deletion of the genomic region encompassing exon(s) 22 of the USH2A gene. This deletion is out-of-frame, and is expected to create a premature termination codon and result in an absent or disrupted protein product. Loss-of-function variants in USH2A are known to be pathogenic (PMID: 10729113, 10909849, 20507924, 25649381).

Literature cited by the submitters: PubMed 25558175; PubMed 10729113; PubMed 10909849; PubMed 20507924; PubMed 25649381.

NC_000001.10:g.(?_216270405)_(216270575_?)del

Gene: USH2A (usherin; minus strand). Cytogenetic location: 1q41.
Variant type: Deletion.
Identifiers: ClinVar variation 3248039 (VCV003248039.1).